The following is an entry in ClinVar:

ClinVar aggregate classification (germline): Uncertain significance (1 of 4 stars; one submission).

Conditions:
Perlman syndrome (PRLMNS). Identifiers: Orphanet 2849, MedGen C0796113, MONDO:0009965, OMIM 267000.

Allele frequency attached by ClinVar (database versions not stated): gnomAD 0.00002 and 0.00003; ExAC 0.00004; gnomAD exomes 0.00004; TOPMed 0.00005; 1000 Genomes Project 30x 0.00016; 1000 Genomes Project 0.00020.

Submission:

Labcorp Genetics (formerly Invitae), Labcorp
Classification: Uncertain significance for Perlman syndrome. Last evaluated: 2025-10-23. Review status: criteria provided, single submitter. Criteria: Invitae Variant Classification Sherloc (09022015). Collection method: clinical testing. Allele origin: germline.
Comment: This sequence change replaces arginine, which is basic and polar, with cysteine, which is neutral and slightly polar, at codon 304 of the DIS3L2 protein (p.Arg304Cys). This variant is present in population databases (rs149157216, gnomAD 0.03%). This variant has not been reported in the literature in individuals affected with DIS3L2-related conditions. ClinVar contains an entry for this variant (Variation ID: 410767). Invitae Evidence Modeling of protein sequence and biophysical properties (such as structural, functional, and spatial information, amino acid conservation, physicochemical variation, residue mobility, and thermodynamic stability) indicates that this missense variant is not expected to disrupt DIS3L2 protein function with a negative predictive value of 80%. In summary, the available evidence is currently insufficient to determine the role of this variant in disease. Therefore, it has been classified as a Variant of Uncertain Significance.

NM_152383.5(DIS3L2):c.910C>T (p.Arg304Cys)

Gene: DIS3L2 (DIS3 like 3'-5' exoribonuclease 2; plus strand). Cytogenetic location: 2q37.1.
Variant type: single nucleotide variant.
Coding change: c.910C>T on transcript NM_152383.5 (MANE Select); coding-DNA position 910, C replaced by T.
Protein change: p.Arg304Cys; replaces arginine 304 with cysteine.
Molecular consequence: missense variant. On other transcripts: non-coding transcript variant (1).
Genome position (GRCh38, 1-based): chr2:232,136,679, C>T. VCF-style: chr2-232136679-C-T. GRCh37 (hg19) VCF-style: chr2-233001389-C-T.
Other names: c.910C>T, p.Arg304Cys (NM_001257281.2); short protein forms R304C.
Identifiers: ClinVar variation 410767 (VCV000410767.10), dbSNP rs149157216, ClinGen allele CA2163968.